The following is an entry in ClinVar:

ClinVar aggregate classification (germline): Uncertain significance (1 of 4 stars; one submission).

Allele frequency attached by ClinVar (database versions not stated): ExAC 0.00001; gnomAD exomes 0.00001 and 0.00002; TOPMed 0.00003.
gnomAD v4.1: 5 of 1,612,500 alleles (0.00031%); highest among the groups gnomAD compares: Admixed American, 0.0083%; no homozygotes.

Submission:

GeneDx
Classification: Uncertain significance. Last evaluated: 2019-10-17. Review status: criteria provided, single submitter. Criteria: GeneDx Variant Classification Process June 2021. Collection method: clinical testing. Allele origin: germline. Affected: yes.
Comment: Has not been previously published as pathogenic or benign to our knowledge; Not observed at a significant frequency in large population cohorts (Lek et al., 2016); In silico analysis, which includes protein predictors and evolutionary conservation, supports that this variant does not alter protein structure/function

NM_012398.3(PIP5K1C):c.1396G>T (p.Val466Leu)

Gene: PIP5K1C (phosphatidylinositol-4-phosphate 5-kinase type 1 gamma; minus strand). Cytogenetic location: 19p13.3.
Variant type: single nucleotide variant.
Coding change: c.1396G>T on transcript NM_012398.3 (MANE Select); coding-DNA position 1396, G replaced by T.
Protein change: p.Val466Leu; replaces valine 466 with leucine.
Molecular consequence: missense variant.
Genome position (GRCh38, 1-based): chr19:3,644,201, C>A on the plus strand (G>T on the coding strand, the complement: PIP5K1C is on the minus strand). VCF-style: chr19-3644201-C-A. GRCh37 (hg19) VCF-style: chr19-3644199-C-A.
Other names: c.1396G>T, p.Val466Leu (NM_001195733.2, NM_001300849.2); short protein forms V466L.
Identifiers: ClinVar variation 1309198 (VCV001309198.2), dbSNP rs758323053, ClinGen allele CA9082281.